The following is an entry in ClinVar:

ClinVar aggregate classification (germline): Uncertain significance. Review status: criteria provided, single submitter (1 of 4 stars). 2 submissions from 2 submitters: Uncertain significance (1). 1 of the submissions does not count toward it. Last evaluated 2023-10-30.

Conditions:
SDCCAG8-related disorder. Also called: SDCCAG8-Related Disorders; SDCCAG8-related condition.
Bardet-Biedl syndrome 16 (BBS16). Identifiers: Orphanet 110, MedGen C3889474, MONDO:0014444, OMIM 615993.
Senior-Loken syndrome 7 (SLSN7). Identifiers: Orphanet 3156, MedGen C3150877, MONDO:0013326, OMIM 613615.

Allele frequency attached by ClinVar (database versions not stated): gnomAD exomes 0.00001; ExAC 0.00002; TOPMed 0.00002; gnomAD 0.00003; 1000 Genomes Project 0.00020; 1000 Genomes Project 30x 0.00031.
gnomAD v4.1: 14 of 1,614,152 alleles (0.00087%); highest among the groups gnomAD compares: African/African-American, 0.0013%; no homozygotes.

Submissions (2):

Labcorp Genetics (formerly Invitae), Labcorp
Classification: Uncertain significance for Bardet-Biedl syndrome 16; Senior-Loken syndrome 7. Last evaluated: 2023-10-30. Review status: criteria provided, single submitter. Criteria: Invitae Variant Classification Sherloc (09022015). Collection method: clinical testing. Allele origin: germline.
Comment: This sequence change replaces histidine, which is basic and polar, with tyrosine, which is neutral and polar, at codon 289 of the SDCCAG8 protein (p.His289Tyr). This variant is present in population databases (rs550235853, gnomAD 0.004%). This variant has not been reported in the literature in individuals affected with SDCCAG8-related conditions. ClinVar contains an entry for this variant (Variation ID: 2413440). Advanced modeling of protein sequence and biophysical properties (such as structural, functional, and spatial information, amino acid conservation, physicochemical variation, residue mobility, and thermodynamic stability) performed at Invitae indicates that this missense variant is not expected to disrupt SDCCAG8 protein function with a negative predictive value of 80%. In summary, the available evidence is currently insufficient to determine the role of this variant in disease. Therefore, it has been classified as a Variant of Uncertain Significance.

PreventionGenetics, part of Exact Sciences
Classification: Uncertain significance for SDCCAG8-related condition. Last evaluated: 2024-04-22. Review status: no assertion criteria provided. Collection method: clinical testing. Allele origin: germline. Not counted in ClinVar's aggregate classification.
Comment: The SDCCAG8 c.865C>T variant is predicted to result in the amino acid substitution p.His289Tyr. To our knowledge, this variant has not been reported in the literature. This variant is reported in 0.0040% of alleles in individuals of African descent in gnomAD. At this time, the clinical significance of this variant is uncertain due to the absence of conclusive functional and genetic evidence.

NM_006642.5(SDCCAG8):c.865C>T (p.His289Tyr)

Gene: SDCCAG8 (SHH signaling and ciliogenesis regulator SDCCAG8; plus strand). Cytogenetic location: 1q43.
Variant type: single nucleotide variant.
Coding change: c.865C>T on transcript NM_006642.5 (MANE Select); coding-DNA position 865, C replaced by T.
Protein change: p.His289Tyr; replaces histidine 289 with tyrosine.
Molecular consequence: missense variant. On other transcripts: 5 prime UTR variant (3).
Genome position (GRCh38, 1-based): chr1:243,308,113, C>T. VCF-style: chr1-243308113-C-T. GRCh37 (hg19) VCF-style: chr1-243471415-C-T.
Other names: c.-39C>T (NM_001350246.2, NM_001350247.2, NM_001350251.2); c.961C>T, p.His321Tyr (NM_001350248.2); c.571C>T, p.His191Tyr (NM_001350249.2); c.865C>T (NM_006642.3); short protein forms H191Y, H289Y, H321Y.
Identifiers: ClinVar variation 2413440 (VCV002413440.5), dbSNP rs550235853, ClinGen allele CA1483458.